The following is an entry in ClinVar:

NM_025152.3(NUBPL):c.298G>A (p.Ala100Thr)

Gene: NUBPL (NUBP iron-sulfur cluster assembly factor, mitochondrial; plus strand). Cytogenetic location: 14q12.
Variant type: single nucleotide variant.
Coding change: c.298G>A on transcript NM_025152.3 (MANE Select); coding-DNA position 298, G replaced by A.
Protein change: p.Ala100Thr; replaces alanine 100 with threonine.
Molecular consequence: missense variant. On other transcripts: non-coding transcript variant (1).
Genome position (GRCh38, 1-based): chr14:31,599,295, G>A. VCF-style: chr14-31599295-G-A. GRCh37 (hg19) VCF-style: chr14-32068501-G-A.
Other names: c.10G>A, p.Ala4Thr (NM_001201573.2); c.298G>A (NM_025152.2); short protein forms A100T, A4T.
Identifiers: ClinVar variation 1499180 (VCV001499180.6), dbSNP rs1179905165, ClinGen allele CA389480242.

ClinVar aggregate classification (germline): Uncertain significance. Review status: criteria provided, multiple submitters, no conflicts (2 of 4 stars). 2 submissions from 2 submitters: Uncertain significance (2). Last evaluated 2023-08-30.

Conditions:
NUBPL-related disorder. Also called: NUBPL-related condition.

Allele frequency attached by ClinVar (database versions not stated): gnomAD exomes below 0.00001; gnomAD 0.00001; TOPMed 0.00001.
gnomAD v4.1: 27 of 1,608,100 alleles (0.0017%); highest among the groups gnomAD compares: Middle Eastern, 0.017%; no homozygotes.

Submissions (2):

PreventionGenetics, part of Exact Sciences
Classification: Uncertain significance for NUBPL-related condition. Last evaluated: 2023-08-30. Review status: criteria provided, single submitter. Criteria: ACMG Guidelines, 2015. Collection method: clinical testing. Allele origin: germline.
Comment: The NUBPL c.298G>A variant is predicted to result in the amino acid substitution p.Ala100Thr. To our knowledge, this variant has not been reported in the literature. This variant is reported in 0.0041% of alleles in individuals of African descent in gnomAD. At this time, the clinical significance of this variant is uncertain due to the absence of conclusive functional and genetic evidence.

Labcorp Genetics (formerly Invitae), Labcorp
Classification: Uncertain significance. Last evaluated: 2022-11-01. Review status: criteria provided, single submitter. Criteria: Invitae Variant Classification Sherloc (09022015). Collection method: clinical testing. Allele origin: germline.
Comment: In summary, the available evidence is currently insufficient to determine the role of this variant in disease. Therefore, it has been classified as a Variant of Uncertain Significance. Advanced modeling of protein sequence and biophysical properties (such as structural, functional, and spatial information, amino acid conservation, physicochemical variation, residue mobility, and thermodynamic stability) performed at Invitae indicates that this missense variant is not expected to disrupt NUBPL protein function. ClinVar contains an entry for this variant (Variation ID: 1499180). This variant has not been reported in the literature in individuals affected with NUBPL-related conditions. This variant is present in population databases (no rsID available, gnomAD 0.004%). This sequence change replaces alanine, which is neutral and non-polar, with threonine, which is neutral and polar, at codon 100 of the NUBPL protein (p.Ala100Thr).